The following is an entry in ClinVar:

ClinVar aggregate classification (germline): Conflicting classifications of pathogenicity. Review status: criteria provided, conflicting classifications (1 of 4 stars). 5 submissions from 5 submitters: Uncertain significance (4); Benign (1). Last evaluated 2025-11-12.

Conditions:
COL11A2-related disorder. Also called: COL11A2-related condition; COL11A2-related disorders.

Allele frequency attached by ClinVar (database versions not stated): gnomAD exomes below 0.00001; TOPMed below 0.00001; ExAC 0.00001; gnomAD 0.00001.
gnomAD v4.1: 7 of 1,613,320 alleles (0.00043%); highest among the groups gnomAD compares: African/African-American, 0.0013%; no homozygotes.

Submissions (5):

GeneDx
Classification: Uncertain significance. Last evaluated: 2025-11-12. Review status: criteria provided, single submitter. Criteria: GeneDx Variant Classification Process June 2021. Collection method: clinical testing. Allele origin: germline. Affected: yes.
Comment: Has not been previously published as pathogenic or benign to our knowledge; In silico analysis supports that this missense variant has a deleterious effect on protein structure/function; Not observed at significant frequency in large population cohorts (gnomAD)

PreventionGenetics, part of Exact Sciences
Classification: Uncertain significance for COL11A2-related condition. Last evaluated: 2025-05-27. Review status: criteria provided, single submitter. Criteria: ACMG Guidelines, 2015. Collection method: clinical testing. Allele origin: germline.
Comment: The COL11A2 c.4495G>A variant is predicted to result in the amino acid substitution p.Glu1499Lys. To our knowledge, this variant has not been reported in the literature. This variant is reported in 0.0040% of alleles in individuals of African descent in gnomAD. At this time, the clinical significance of this variant is uncertain due to the absence of conclusive functional and genetic evidence.

Blueprint Genetics
Classification: Uncertain significance. Last evaluated: 2023-05-19. Review status: criteria provided, single submitter. Criteria: ACMG Guidelines, 2015. Collection method: clinical testing. Allele origin: germline.

Labcorp Genetics (formerly Invitae), Labcorp
Classification: Benign. Last evaluated: 2023-04-23. Review status: criteria provided, single submitter. Criteria: Invitae Variant Classification Sherloc (09022015). Collection method: clinical testing. Allele origin: germline.

Laboratory for Molecular Medicine, Mass General Brigham Personalized Medicine
Classification: Uncertain significance. Last evaluated: 2013-06-11. Review status: criteria provided, single submitter. Criteria: LMM Criteria. Collection method: clinical testing. Allele origin: germline. Observed: 1 variant allele.
Comment: The Glu1499Lys variant in COL11A2 has not been reported in individuals with hear ing loss or in large population studies. Computational analyses (biochemical ami no acid properties, conservation, AlignGVGD, PolyPhen2, and SIFT) do not provide strong support for or against an impact to the protein. In summary, additional data is needed to determine the clinical significance of this variant.

NM_080680.3(COL11A2):c.4495G>A (p.Glu1499Lys)

Gene: COL11A2 (collagen type XI alpha 2 chain; minus strand). Cytogenetic location: 6p21.32.
Variant type: single nucleotide variant.
Coding change: c.4495G>A on transcript NM_080680.3 (MANE Select); coding-DNA position 4495, G replaced by A.
Protein change: p.Glu1499Lys; replaces glutamic acid 1499 with lysine.
Molecular consequence: missense variant.
Genome position (GRCh38, 1-based): chr6:33,165,804, C>T on the plus strand (G>A on the coding strand, the complement: COL11A2 is on the minus strand). VCF-style: chr6-33165804-C-T. GRCh37 (hg19) VCF-style: chr6-33133581-C-T.
Other names: c.4174G>A, p.Glu1392Lys (NM_080679.3); c.4237G>A, p.Glu1413Lys (NM_080681.3); short protein forms E1499K, E1413K, E1392K.
Identifiers: ClinVar variation 178923 (VCV000178923.15), dbSNP rs727504543, ClinGen allele CA183320.